The following is an entry in ClinVar:

NM_152618.3(BBS12):c.1157G>A (p.Arg386Gln)

Gene: BBS12 (Bardet-Biedl syndrome 12; plus strand). Cytogenetic location: 4q27.
Variant type: single nucleotide variant.
Coding change: c.1157G>A on transcript NM_152618.3 (MANE Select); coding-DNA position 1157, G replaced by A.
Protein change: p.Arg386Gln; replaces arginine 386 with glutamine.
Molecular consequence: missense variant.
Genome position (GRCh38, 1-based): chr4:122,743,049, G>A. VCF-style: chr4-122743049-G-A. GRCh37 (hg19) VCF-style: chr4-123664204-G-A.
Other names: c.1157G>A, p.Arg386Gln (NM_001178007.2); short protein forms R386Q.
Identifiers: ClinVar variation 166725 (VCV000166725.29), dbSNP rs309370, ClinGen allele CA179772.
Genomic context (GRCh38, chr4:122,743,049, plus strand): 5'-ATTACCGCCACCTGGGATTTAATAAGTCTGCAAATATTAAAACAGTATTAGATAGCATGC[G>A]GCTTCAAGAAGACAGCTCAGAAGAACTGTGGGCAAATCACGTGTTACAGGTGTTAATCCA-3'
Protein context (NP_689831.2, residues 376-396): ANIKTVLDSM[Arg386Gln]LQEDSSEELW

ClinVar aggregate classification (germline): Benign/Likely benign. Review status: criteria provided, multiple submitters, no conflicts (2 of 4 stars). 14 submissions from 14 submitters: Benign (10); Likely benign (1). 3 of the submissions do not count toward it. Last evaluated 2026-05-18.

Conditions:
Bardet-Biedl syndrome 1 (BBS1). Identifiers: MedGen C2936862, MONDO:0008854, OMIM 209900. Disease mechanism: loss of function.
Bardet-Biedl syndrome (BBS). Identifiers: Orphanet 110, MedGen C0752166, MONDO:0015229.
Bardet-Biedl syndrome 12 (BBS12). Identifiers: Orphanet 110, MedGen C1859570, MONDO:0014440, OMIM 615989.

Allele frequency attached by ClinVar (database versions not stated): gnomAD exomes 0.41201; gnomAD 0.42071 and 0.42433; TOPMed 0.44594; ExAC 0.41402; ESP Exome Variant Server 0.41381; 1000 Genomes Project 0.50639; 1000 Genomes Project 30x 0.50937.

Submissions (14):

Women's Health and Genetics/Laboratory Corporation of America, LabCorp
Classification: Likely benign. Last evaluated: 2026-05-18. Review status: criteria provided, single submitter. Criteria: LabCorp Variant Classification Summary - May 2015. Collection method: clinical testing. Allele origin: germline.

Labcorp Genetics (formerly Invitae), Labcorp
Classification: Benign for Bardet-Biedl syndrome. Last evaluated: 2026-02-04. Review status: criteria provided, single submitter. Criteria: Invitae Variant Classification Sherloc (09022015). Collection method: clinical testing. Allele origin: germline.

Blueprint Genetics
Classification: Benign. Last evaluated: 2024-11-27. Review status: criteria provided, single submitter. Criteria: ACMG Guidelines, 2015. Collection method: clinical testing. Allele origin: germline.

Mayo Clinic Laboratories, Mayo Clinic
Classification: Benign. Last evaluated: 2022-03-09. Review status: criteria provided, single submitter. Criteria: ACMG Guidelines, 2015. Collection method: clinical testing. Allele origin: germline. Observed: 53 variant alleles.

Pars Genome Lab
Classification: Benign for Bardet-Biedl syndrome 12. Last evaluated: 2021-06-15. Review status: criteria provided, single submitter. Criteria: ACMG Guidelines, 2015. Collection method: clinical testing. Allele origin: germline. Affected: no.

GeneDx
Classification: Benign. Last evaluated: 2018-11-10. Review status: criteria provided, single submitter. Criteria: GeneDx Variant Classification Process June 2021. Collection method: clinical testing. Allele origin: germline. Affected: yes.

Illumina Laboratory Services, Illumina
Classification: Benign for Bardet-Biedl syndrome 12. Last evaluated: 2018-01-12. Review status: criteria provided, single submitter. Criteria: ICSL Variant Classification Criteria 13 December 2019. Collection method: clinical testing. Allele origin: germline.
Comment: This variant was observed in the ICSL laboratory as part of a predisposition screen in an ostensibly healthy population. It had not been previously curated by ICSL or reported in the Human Gene Mutation Database (HGMD: prior to June 1st, 2018), and was therefore a candidate for classification through an automated scoring system. Utilizing variant allele frequency, disease prevalence and penetrance estimates, and inheritance mode, an automated score was calculated to assess if this variant is too frequent to cause the disease. Based on the score and internal cut-off values, a variant classified as benign is not then subjected to further curation. The score for this variant resulted in a classification of benign for this disease.

Clinical Genetics DNA and cytogenetics Diagnostics Lab, Erasmus MC, Erasmus Medical Center
Classification: Benign for Bardet-Biedl syndrome 1. Last evaluated: 2015-09-21. Review status: criteria provided, single submitter. Criteria: ACGS Guidelines, 2013. Collection method: clinical testing. Allele origin: germline. Affected: yes. Study: VKGL Data-share Consensus.

Eurofins Ntd Llc (ga)
Classification: Benign. Last evaluated: 2014-01-21. Review status: criteria provided, single submitter. Criteria: EGL Classification Definitions 2015. Collection method: clinical testing. Allele origin: germline. Observed: 6 variant alleles, 4 heterozygotes, 2 homozygotes.

Breakthrough Genomics
Classification: Benign. Review status: criteria provided, single submitter. Criteria: ACMG Guidelines, 2015. Collection method: not provided. Allele origin: germline. Inheritance: Autosomal recessive inheritance. Affected: yes.

PreventionGenetics, part of Exact Sciences
Classification: Benign. Review status: criteria provided, single submitter. Criteria: ACMG Guidelines, 2015. Collection method: clinical testing. Allele origin: germline.

Natera, Inc.
Classification: Benign for Bardet-Biedl syndrome type 12. Last evaluated: 2020-09-16. Review status: no assertion criteria provided. Collection method: clinical testing. Allele origin: germline. Not counted in ClinVar's aggregate classification.

Diagnostic Laboratory, Department of Genetics, University Medical Center Groningen
Classification: Benign for Bardet-Biedl syndrome 1. Review status: no assertion criteria provided. Collection method: clinical testing. Allele origin: germline. Affected: yes. Study: VKGL Data-share Consensus. Not counted in ClinVar's aggregate classification.

Joint Genome Diagnostic Labs from Nijmegen and Maastricht, Radboudumc and MUMC+
Classification: Benign. Review status: no assertion criteria provided. Collection method: clinical testing. Allele origin: germline. Affected: yes. Study: VKGL Data-share Consensus. Not counted in ClinVar's aggregate classification.